The following is an entry in ClinVar:

NM_024496.4(IRF2BPL):c.800G>T (p.Ser267Ile)

Gene: IRF2BPL (interferon regulatory factor 2 binding protein like; minus strand). Cytogenetic location: 14q24.3.
Variant type: single nucleotide variant.
Coding change: c.800G>T on transcript NM_024496.4 (MANE Select); coding-DNA position 800, G replaced by T.
Protein change: p.Ser267Ile; replaces serine 267 with isoleucine.
Molecular consequence: missense variant.
Genome position (GRCh38, 1-based): chr14:77,026,993, C>A on the plus strand (G>T on the coding strand, the complement: IRF2BPL is on the minus strand). VCF-style: chr14-77026993-C-A. GRCh37 (hg19) VCF-style: chr14-77493336-C-A.
Other names: c.800G>T (NM_024496.3); short protein forms S267I.
Identifiers: ClinVar variation 2378712 (VCV002378712.4), dbSNP rs367674240, ClinGen allele CA7283832.

ClinVar aggregate classification (germline): Uncertain significance. Review status: criteria provided, single submitter (1 of 4 stars). 2 submissions from 2 submitters: Uncertain significance (1). 1 of the submissions does not count toward it. Last evaluated 2021-08-09.

Conditions:
Inborn genetic diseases. Identifiers: MedGen C0950123, MeSH D030342.
IRF2BPL-related disorder. Also called: IRF2BPL-related condition. Identifiers: MedGen CN381093.

Allele frequency attached by ClinVar (database versions not stated): TOPMed 0.00009; gnomAD 0.00011; 1000 Genomes Project 30x 0.00016; 1000 Genomes Project 0.00020; ESP Exome Variant Server 0.00020.
gnomAD v4.1: 32 of 1,496,524 alleles (0.0021%); highest among the groups gnomAD compares: African/African-American, 0.043%; 1 homozygote.

Submissions (2):

Ambry Genetics
Classification: Uncertain significance for Inborn genetic diseases. Last evaluated: 2021-08-09. Review status: criteria provided, single submitter. Criteria: Ambry Variant Classification Scheme 2023. Collection method: clinical testing. Allele origin: germline.

PreventionGenetics, part of Exact Sciences
Classification: Likely benign for IRF2BPL-related condition. Last evaluated: 2023-07-30. Review status: no assertion criteria provided. Collection method: clinical testing. Allele origin: germline. Not counted in ClinVar's aggregate classification.
Comment: This variant is classified as likely benign based on ACMG/AMP sequence variant interpretation guidelines (Richards et al. 2015 PMID: 25741868, with internal and published modifications).